The following is an entry in ClinVar:

ClinVar aggregate classification (germline): Likely benign. Review status: criteria provided, multiple submitters, no conflicts (2 of 4 stars). 5 submissions from 5 submitters: Likely benign (5). Last evaluated 2026-01-28.

Conditions:
CDKN1B-related disorder. Also called: CDKN1B-related condition.
Hereditary cancer-predisposing syndrome. Also called: Tumor predisposition; Hereditary neoplastic syndrome; Neoplastic Syndromes, Hereditary; Hereditary Cancer Syndrome. Identifiers: Orphanet 140162, MedGen C0027672, MeSH D009386, MONDO:0015356.
Multiple endocrine neoplasia type 4. Also called: MULTIPLE ENDOCRINE NEOPLASIA, TYPE IV. Identifiers: Orphanet 276152, MedGen C1970712, MONDO:0012552, OMIM 610755.

Allele frequency attached by ClinVar (database versions not stated): gnomAD 0.00001; TOPMed 0.00002; gnomAD exomes 0.00003 and 0.00008; ExAC 0.00005.

Submissions (5):

PreventionGenetics, part of Exact Sciences
Classification: Likely benign for CDKN1B-related condition. Last evaluated: 2026-01-28. Review status: criteria provided, single submitter. Criteria: ACMG Guidelines, 2015. Collection method: clinical testing. Allele origin: germline.
Comment: This variant is classified as likely benign based on ACMG/AMP sequence variant interpretation guidelines (Richards et al. 2015 PMID: 25741868, with internal and published modifications).

Labcorp Genetics (formerly Invitae), Labcorp
Classification: Likely benign for Multiple endocrine neoplasia type 4. Last evaluated: 2026-01-19. Review status: criteria provided, single submitter. Criteria: Invitae Variant Classification Sherloc (09022015). Collection method: clinical testing. Allele origin: germline.

Quest Diagnostics Nichols Institute San Juan Capistrano
Classification: Likely benign. Last evaluated: 2023-07-28. Review status: criteria provided, single submitter. Criteria: Quest Diagnostics criteria. Collection method: clinical testing. Allele origin: unknown.

Sema4
Classification: Likely benign for Hereditary cancer-predisposing syndrome. Last evaluated: 2021-06-30. Review status: criteria provided, single submitter. Criteria: Sema4 Curation Guidelines. Collection method: curation. Allele origin: germline.

Ambry Genetics
Classification: Likely benign for Hereditary cancer-predisposing syndrome. Last evaluated: 2017-06-13. Review status: criteria provided, single submitter. Criteria: Ambry Variant Classification Scheme 2023. Collection method: clinical testing. Allele origin: germline.

NM_004064.5(CDKN1B):c.126C>T (p.Thr42=)

Gene: CDKN1B (cyclin dependent kinase inhibitor 1B; plus strand). Cytogenetic location: 12p13.1.
Variant type: single nucleotide variant.
Coding change: c.126C>T on transcript NM_004064.5 (MANE Select); coding-DNA position 126, C replaced by T.
Protein change: p.Thr42=; no amino-acid change (threonine 42 retained).
Molecular consequence: synonymous variant.
Genome position (GRCh38, 1-based): chr12:12,717,965, C>T. VCF-style: chr12-12717965-C-T. GRCh37 (hg19) VCF-style: chr12-12870899-C-T.
Identifiers: ClinVar variation 468998 (VCV000468998.19), dbSNP rs747582957, ClinGen allele CA6457386.